The following is an entry in ClinVar:

NC_012920.1(MT-ND2):m.5460G>A

Gene: MT-ND2 (mitochondrially encoded NADH dehydrogenase 2; plus strand).
Variant type: single nucleotide variant.
Genome position: chrM-5460-G-A.
Identifiers: ClinVar variation 692591 (VCV000692591.2), dbSNP rs3021088, ClinGen allele CA337097146.
Genomic context (GRCh38, chrMT:5,460, plus strand): 5'-GTAAAAATAAAATGACAGTTTGAACATACAAAACCCACCCCATTCCTCCCCACACTCATC[G>A]CCCTTACCACGCTACTCCTACCTATCTCCCCTTTTATACTAATAATCTTATAGAAATTTA-3'

ClinVar aggregate classification (germline): Benign/Likely benign. Review status: criteria provided, multiple submitters, no conflicts (2 of 4 stars). 2 submissions from 2 submitters: Benign (1); Likely benign (1). Last evaluated 2025-02-16.

Conditions:
Leigh syndrome (NULS). Also called: Leigh's necrotizing encephalopathy; Leigh's disease; Leigh Syndrome (mtDNA deletion); Leigh Disease; Subacute necrotizing encephalopathy; Necrotizing encephalopathy infantile subacute of Leigh. Identifiers: Orphanet 506, MedGen C2931891, MONDO:0009723, OMIM 256000.

Submissions (2):

Laboratory of Genetics, Children's Clinical University Hospital Latvia
Classification: Likely benign. Last evaluated: 2025-02-16. Review status: criteria provided, single submitter. Criteria: ACMG Guidelines, 2015. Collection method: clinical testing. Allele origin: germline. Affected: yes.

Wong Mito Lab, Molecular and Human Genetics, Baylor College of Medicine
Classification: Benign for Leigh syndrome. Last evaluated: 2019-10-17. Review status: criteria provided, single submitter. Criteria: Modified ACMG Guidelines (Unpublished). Collection method: clinical testing. Allele origin: germline.
Comment: The NC_012920.1:m.5460G>A (YP_003024027.1:p.Ala331Thr) variant in MTND2 gene is interpretated to be a Benign variant based on the modified ACMG guidelines (unpublished). This variant meets the following evidence codes: BA1